The following is an entry in ClinVar:

ClinVar aggregate classification (germline): Benign. Review status: criteria provided, multiple submitters, no conflicts (2 of 4 stars). 2 submissions from 2 submitters: Benign (2). Last evaluated 2020-04-28.

Allele frequency attached by ClinVar (database versions not stated): gnomAD exomes 0.25244 and 0.27734; ExAC 0.28221; ESP Exome Variant Server 0.32566; TOPMed 0.32637; gnomAD 0.32662 and 0.32719; 1000 Genomes Project 0.38638; 1000 Genomes Project 30x 0.39147.
gnomAD v4.1: 417,908 of 1,609,292 alleles (26%); highest among the groups gnomAD compares: African/African-American, 54%; 59,093 homozygotes.

Submissions (2):

GeneDx
Classification: Benign. Last evaluated: 2020-04-28. Review status: criteria provided, single submitter. Criteria: GeneDx Variant Classification Process June 2021. Collection method: clinical testing. Allele origin: germline. Affected: yes.
Comment: This variant is associated with the following publications: (PMID: 22021659)

Breakthrough Genomics
Classification: Benign. Review status: criteria provided, single submitter. Criteria: ACMG Guidelines, 2015. Collection method: not provided. Allele origin: germline. Inheritance: Unknown mechanism. Affected: yes.

NM_004476.3(FOLH1):c.223T>C (p.Tyr75His)

Gene: FOLH1 (folate hydrolase 1; minus strand). Cytogenetic location: 11p11.12.
Variant type: single nucleotide variant.
Coding change: c.223T>C on transcript NM_004476.3 (MANE Select); coding-DNA position 223, T replaced by C.
Protein change: p.Tyr75His; replaces tyrosine 75 with histidine.
Molecular consequence: missense variant. On other transcripts: 5 prime UTR variant (1).
Genome position (GRCh38, 1-based): chr11:49,206,068, A>G on the plus strand (T>C on the coding strand, the complement: FOLH1 is on the minus strand). VCF-style: chr11-49206068-A-G. GRCh37 (hg19) VCF-style: chr11-49227620-A-G.
Other names: c.223T>C, p.Tyr75His (NM_001014986.3); c.178T>C, p.Tyr60His (NM_001193471.3, NM_001193472.3); c.-328T>C (NM_001193473.3); c.52T>C, p.Tyr18His (NM_001351236.2); short protein forms Y18H, Y60H, Y75H.
Identifiers: ClinVar variation 1287111 (VCV001287111.2), dbSNP rs202676, ClinGen allele CA5987182.
Genomic context (GRCh38, chr11:49,206,068, plus strand): 5'-AACAGAATGATAAATTTTTCTAACAACTTGTCCATATAAACTTTCGAGGATGTACTTACT[A>G]TAAGAACTTCTTGATGTTCTCAGCTTTCAATTCATCCAAAAATGCTTTCATATTATGCTT-3'
Protein context (NP_004467.1, residues 65-85): LKAENIKKFL[Tyr75His]NFTQIPHLAG